The following continues an entry in ClinVar:

NM_020975.6(RET):c.1826G>A (p.Cys609Tyr)

Gene: RET. ClinVar aggregate classification (germline): Pathogenic. Pathogenic (19).

Submissions 17 to 22 of 22:

HudsonAlpha Institute for Biotechnology
Classification: Pathogenic for Familial medullary thyroid carcinoma. Last evaluated: 2018-12-20. Review status: criteria provided, single submitter. Criteria: ACMG Guidelines, 2015. Collection method: research. Allele origin: unknown. Observed: 1 variant allele. Study: HudsonAlpha-AGHI-WGS.

Laboratory for Molecular Medicine, Mass General Brigham Personalized Medicine
Classification: Pathogenic for Multiple endocrine neoplasia, type 2. Last evaluated: 2018-05-04. Review status: criteria provided, single submitter. Criteria: LMM Criteria. Collection method: clinical testing. Allele origin: germline. Inheritance: Autosomal dominant inheritance. Observed: 1 variant allele.
Comment: The p.Cys609Tyr variant in RET (ClinVar variation ID# 13933) is a well-known, pa thogenic variant that causes multiple endocrine neoplasia type 2A (MEN2A) (Marqu ard 2015: ReneReviews). This variant has been reported in more than 15 families with a range of RET-associated presentations including MEN2A, and medullary thyr oid carcinoma (MTC), and Hirschsprung disease (Blaugrund 1994, Eng 1996, Decker 1998, de Groot 2005, Ahmed 2005, Quayle 2007, Calva 2009). The variant segregate d with the disease in at least 9 affected relatives (Calva 2009, Ahmed 2005). Ot her data supporting pathogenicity includes rarity in population databases (1/110 672 of European chromosomes, Genome Aggregation Database (gnomAD.; dbSNP rs77939446) and functional studies (Ito 1997, Mise 20 06). In summary, this variant meets criteria to be classified as pathogenic for MEN2A in an autosomal dominant manner. ACMG/AMP Criteria applied: PS4; PP1_Stron g; PM2; PS3_Moderate; PP3.

Eurofins Ntd Llc (ga)
Classification: Pathogenic. Last evaluated: 2016-07-07. Review status: criteria provided, single submitter. Criteria: EGL Classification Definitions. Collection method: clinical testing. Allele origin: germline. Observed: 7 variant alleles, 7 heterozygotes.

Counsyl
Classification: Pathogenic for Multiple endocrine neoplasia type 2A. Last evaluated: 2018-05-08. Review status: no assertion criteria provided. Collection method: clinical testing. Allele origin: unknown. Not counted in ClinVar's aggregate classification.

OMIM
Classification: Pathogenic for MULTIPLE ENDOCRINE NEOPLASIA, TYPE IIA, WITH HIRSCHSPRUNG DISEASE. Last evaluated: 2017-02-28. Review status: no assertion criteria provided. Collection method: literature only. Allele origin: germline. Not counted in ClinVar's aggregate classification.

HudsonAlpha Institute for Biotechnology
Classification: Pathogenic for Familial medullary thyroid carcinoma. Last evaluated: 2015-06-09. Review status: flagged submission. Criteria: HA_assertions_20150911. Collection method: research. Allele origin: unknown. Observed: 1 variant allele. Study: CSER-HudsonAlpha. Not counted in ClinVar's aggregate classification.
ClinVar note: Reason: This record appears to be redundant with a more recent record from the same submitter.
ClinVar note: Notes: SCV000584110 appears to be redundant with SCV000993438.

Literature cited by the submitters: PubMed 19472011 (cited by 6 submitters); PubMed 24617864 (cited by Labcorp Genetics (formerly Invitae), Labcorp); PubMed 9230192 (cited by 6 submitters); PubMed 9681851 (cited by Labcorp Genetics (formerly Invitae), Labcorp); PubMed 16715139 (cited by 6 submitters); PubMed 21986619 (cited by 5 submitters); PubMed 18984779 (cited by Mayo Clinic Laboratories, Mayo Clinic and All of Us Research Program, National Institutes of Health); PubMed 36222615 (cited by Mayo Clinic Laboratories, Mayo Clinic and All of Us Research Program, National Institutes of Health); PubMed 36820377 (cited by Mayo Clinic Laboratories, Mayo Clinic); PubMed 37604101 (cited by Mayo Clinic Laboratories, Mayo Clinic); PubMed 37842841 (cited by Mayo Clinic Laboratories, Mayo Clinic); PubMed 27994876 (cited by 3 submitters); PubMed 30927507 (cited by Ambry Genetics and AiLife Diagnostics); PubMed 15699703 (cited by 3 submitters); PubMed 15991157 (cited by All of Us Research Program, National Institutes of Health); PubMed 16865647 (cited by All of Us Research Program, National Institutes of Health); PubMed 17021738 (cited by All of Us Research Program, National Institutes of Health); PubMed 18063059 (cited by All of Us Research Program, National Institutes of Health and Laboratory for Molecular Medicine, Mass General Brigham Personalized Medicine); PubMed 18206480 (cited by 4 submitters); PubMed 22270996 (cited by All of Us Research Program, National Institutes of Health and AiLife Diagnostics); PubMed 24144365 (cited by All of Us Research Program, National Institutes of Health); PubMed 25440022 (cited by All of Us Research Program, National Institutes of Health); PubMed 25497412 (cited by All of Us Research Program, National Institutes of Health); PubMed 28647780 (cited by All of Us Research Program, National Institutes of Health); PubMed 29579362 (cited by All of Us Research Program, National Institutes of Health); PubMed 33680468 (cited by All of Us Research Program, National Institutes of Health); PubMed 15858153 (cited by 3 submitters); PubMed 7849720 (cited by 3 submitters); PubMed 9498388 (cited by Women's Health and Genetics/Laboratory Corporation of America, LabCorp); PubMed 10462620 (cited by Women's Health and Genetics/Laboratory Corporation of America, LabCorp); PubMed 17704047 (cited by Women's Health and Genetics/Laboratory Corporation of America, LabCorp); PubMed 10220148 (cited by Women's Health and Genetics/Laboratory Corporation of America, LabCorp); PubMed 20979234 (cited by Myriad Genetics, Inc. and Victorian Clinical Genetics Services, Murdoch Childrens Research Institute); PubMed 25810047 (cited by Myriad Genetics, Inc.); PubMed 7633441 (cited by Victorian Clinical Genetics Services, Murdoch Childrens Research Institute); PubMed 8733882 (cited by Victorian Clinical Genetics Services, Murdoch Childrens Research Institute); PubMed 22584710 (cited by Victorian Clinical Genetics Services, Murdoch Childrens Research Institute); PubMed 31510104 (cited by AiLife Diagnostics); PubMed 30763276 (cited by AiLife Diagnostics); PubMed 20516206 (cited by AiLife Diagnostics); PubMed 29790872 (cited by AiLife Diagnostics); PubMed 31447099 (cited by AiLife Diagnostics); PubMed 8918855 (cited by Laboratory for Molecular Medicine, Mass General Brigham Personalized Medicine); PubMed 9384613 (cited by Laboratory for Molecular Medicine, Mass General Brigham Personalized Medicine and Counsyl); PubMed 8855832 (cited by Counsyl); PubMed 7907913 (cited by Counsyl); PubMed 9146685 (cited by Counsyl); PubMed 11562352 (cited by OMIM).